The following is an entry in ClinVar:

ClinVar aggregate classification (germline): Uncertain significance (1 of 4 stars; one submission).

Submission:

Labcorp Genetics (formerly Invitae), Labcorp
Classification: Uncertain significance. Last evaluated: 2025-08-08. Review status: criteria provided, single submitter. Criteria: Invitae Variant Classification Sherloc (09022015). Collection method: clinical testing. Allele origin: germline.
Comment: This sequence change falls in intron 1 of the UQCRB gene. It does not directly change the encoded amino acid sequence of the UQCRB protein. It affects a nucleotide within the consensus splice site. This variant is present in population databases (rs761949833, gnomAD 0.004%). This variant has not been reported in the literature in individuals affected with UQCRB-related conditions. Variants that disrupt the consensus splice site are a relatively common cause of aberrant splicing (PMID: 17576681, 9536098). Algorithms developed to predict the effect of sequence changes on RNA splicing suggest that this variant may disrupt the consensus splice site. In summary, the available evidence is currently insufficient to determine the role of this variant in disease. Therefore, it has been classified as a Variant of Uncertain Significance.

Literature cited by the submitters: PubMed 17576681; PubMed 9536098.

NM_006294.5(UQCRB):c.19+4dup

Genes: UQCRB (ubiquinol-cytochrome c reductase binding protein; minus strand), UQCRB-AS1 (UQCRB antisense RNA 1; plus strand), LOC130000789 (ATAC-STARR-seq lymphoblastoid active region 27659; plus strand). Cytogenetic location: 8q22.1.
Variant type: Duplication.
Coding change: c.19+4dup on transcript NM_006294.5 (MANE Select); 4 bases into the intron after coding-DNA position 19, one base duplicated (A; older notation c.19+4dupA).
Molecular consequence: intron variant. On other transcripts: non-coding transcript variant (2).
Genome position (GRCh38, 1-based): chr8:96,235,508, T duplicated on the plus strand (A on the coding strand, the reverse complement: UQCRB is on the minus strand); the first of 2 consecutive T bases (chr8:96,235,508-96,235,509); duplicating either gives the same sequence. VCF-style (leftmost placement, unchanged base first): chr8-96235507-C-CT. GRCh37 (hg19) VCF-style: chr8-97247735-C-CT.
Other names: c.19+4dup (NM_001254752.2); c.-192+4dup (NM_001199975.3).
Identifiers: ClinVar variation 4748505 (VCV004748505.1).